The following is an entry in ClinVar:

NM_001145358.2(SIN3A):c.1949A>C (p.Lys650Thr)

Gene: SIN3A (SIN3 transcription regulator family member A; minus strand). Cytogenetic location: 15q24.2.
Variant type: single nucleotide variant.
Coding change: c.1949A>C on transcript NM_001145358.2 (MANE Select); coding-DNA position 1949, A replaced by C.
Protein change: p.Lys650Thr; replaces lysine 650 with threonine.
Molecular consequence: missense variant.
Genome position (GRCh38, 1-based): chr15:75,396,402, T>G on the plus strand (A>C on the coding strand, the complement: SIN3A is on the minus strand). VCF-style: chr15-75396402-T-G. GRCh37 (hg19) VCF-style: chr15-75688743-T-G.
Other names: c.1949A>C, p.Lys650Thr (NM_001145357.2, NM_015477.3); short protein forms K650T.
Identifiers: ClinVar variation 3897202 (VCV003897202.1).

ClinVar aggregate classification (germline): Uncertain significance (1 of 4 stars; one submission).

Submission:

GeneDx
Classification: Uncertain significance. Last evaluated: 2024-10-29. Review status: criteria provided, single submitter. Criteria: GeneDx Variant Classification Process June 2021. Collection method: clinical testing. Allele origin: germline. Affected: yes.
Comment: Not observed at significant frequency in large population cohorts (gnomAD); In silico analysis supports that this missense variant has a deleterious effect on protein structure/function; Has not been previously published as pathogenic or benign to our knowledge